The following is an entry in ClinVar:

ClinVar aggregate classification (germline): Uncertain significance (1 of 4 stars; one submission).

Submission:

Labcorp Genetics (formerly Invitae), Labcorp
Classification: Uncertain significance. Last evaluated: 2022-08-09. Review status: criteria provided, single submitter. Criteria: Invitae Variant Classification Sherloc (09022015). Collection method: clinical testing. Allele origin: germline.
Comment: In summary, the available evidence is currently insufficient to determine the role of this variant in disease. Therefore, it has been classified as a Variant of Uncertain Significance. This sequence change replaces lysine, which is basic and polar, with asparagine, which is neutral and polar, at codon 1302 of the RUSC2 protein (p.Lys1302Asn). This variant is not present in population databases (gnomAD no frequency). This variant has not been reported in the literature in individuals affected with RUSC2-related conditions. ClinVar contains an entry for this variant (Variation ID: 1520896). Algorithms developed to predict the effect of missense changes on protein structure and function are either unavailable or do not agree on the potential impact of this missense change (SIFT: "Deleterious"; PolyPhen-2: "Benign"; Align-GVGD: "Class C35").

NM_014806.5(RUSC2):c.3906A>T (p.Lys1302Asn)

Gene: RUSC2 (RUN and SH3 domain containing 2; plus strand). Cytogenetic location: 9p13.3.
Variant type: single nucleotide variant.
Coding change: c.3906A>T on transcript NM_014806.5 (MANE Select); coding-DNA position 3906, A replaced by T.
Protein change: p.Lys1302Asn; replaces lysine 1302 with asparagine.
Molecular consequence: missense variant. On other transcripts: non-coding transcript variant (1).
Genome position (GRCh38, 1-based): chr9:35,560,546, A>T. VCF-style: chr9-35560546-A-T. GRCh37 (hg19) VCF-style: chr9-35560543-A-T.
Other names: c.3906A>T, p.Lys1302Asn (NM_001135999.2); c.1272A>T, p.Lys424Asn (NM_001330740.2); short protein forms K1302N, K424N.
Identifiers: ClinVar variation 1520896 (VCV001520896.8), dbSNP rs2131707214, ClinGen allele CA373355575.